The following is an entry in ClinVar:

NM_198253.3(TERT):c.673G>C (p.Gly225Arg)

Gene: TERT (telomerase reverse transcriptase; minus strand). Cytogenetic location: 5p15.33.
Variant type: single nucleotide variant.
Coding change: c.673G>C on transcript NM_198253.3 (MANE Select); coding-DNA position 673, G replaced by C.
Protein change: p.Gly225Arg; replaces glycine 225 with arginine.
Molecular consequence: missense variant. On other transcripts: non-coding transcript variant (2).
Genome position (GRCh38, 1-based): chr5:1,294,213, C>G on the plus strand (G>C on the coding strand, the complement: TERT is on the minus strand). VCF-style: chr5-1294213-C-G. GRCh37 (hg19) VCF-style: chr5-1294328-C-G.
Other names: c.673G>C, p.Gly225Arg (NM_001193376.3); short protein forms G225R.
Identifiers: ClinVar variation 410666 (VCV000410666.49), dbSNP rs1060502999, ClinGen allele CA16611921.

ClinVar aggregate classification (germline): Conflicting classifications of pathogenicity. Review status: criteria provided, conflicting classifications (1 of 4 stars). 2 submissions from 2 submitters: Uncertain significance (1); Likely benign (1). Last evaluated 2023-04-07.

Conditions:
Dyskeratosis congenita, autosomal dominant 2. Identifiers: MedGen C3151443, MONDO:0013521, OMIM 613989.
Idiopathic Pulmonary Fibrosis. Also called: Idiopathic fibrosing alveolitis, chronic form; idiopathic fibrosing alveolitis. Identifiers: Orphanet 2032, MedGen C1800706, MeSH D054990, MONDO:0800504.
Dyskeratosis congenita. Identifiers: Orphanet 1775, MedGen C0265965, MONDO:0015780.

Submissions (2):

Labcorp Genetics (formerly Invitae), Labcorp
Classification: Uncertain significance for Dyskeratosis congenita, autosomal dominant 2; Idiopathic Pulmonary Fibrosis. Last evaluated: 2023-04-07. Review status: criteria provided, single submitter. Criteria: Invitae Variant Classification Sherloc (09022015). Collection method: clinical testing. Allele origin: germline.
Comment: In summary, the available evidence is currently insufficient to determine the role of this variant in disease. Therefore, it has been classified as a Variant of Uncertain Significance. Advanced modeling of protein sequence and biophysical properties (such as structural, functional, and spatial information, amino acid conservation, physicochemical variation, residue mobility, and thermodynamic stability) performed at Invitae indicates that this missense variant is not expected to disrupt TERT protein function. ClinVar contains an entry for this variant (Variation ID: 410666). This variant has not been reported in the literature in individuals affected with TERT-related conditions. This variant is not present in population databases (gnomAD no frequency). This sequence change replaces glycine, which is neutral and non-polar, with arginine, which is basic and polar, at codon 225 of the TERT protein (p.Gly225Arg).

Ambry Genetics
Classification: Likely benign for Dyskeratosis congenita. Last evaluated: 2022-02-13. Review status: criteria provided, single submitter. Criteria: Ambry Variant Classification Scheme 2023. Collection method: clinical testing. Allele origin: germline.